The following is an entry in ClinVar:

NM_000466.3(PEX1):c.730A>G (p.Ser244Gly)

Gene: PEX1 (peroxisomal biogenesis factor 1; minus strand). Cytogenetic location: 7q21.2.
Variant type: single nucleotide variant.
Coding change: c.730A>G on transcript NM_000466.3 (MANE Select); coding-DNA position 730, A replaced by G.
Protein change: p.Ser244Gly; replaces serine 244 with glycine.
Molecular consequence: missense variant.
Genome position (GRCh38, 1-based): chr7:92,517,785, T>C on the plus strand (A>G on the coding strand, the complement: PEX1 is on the minus strand). VCF-style: chr7-92517785-T-C. GRCh37 (hg19) VCF-style: chr7-92147099-T-C.
Other names: c.730A>G, p.Ser244Gly (NM_001282677.2); c.106A>G, p.Ser36Gly (NM_001282678.2); short protein forms S244G, S36G.
Identifiers: ClinVar variation 4998636 (VCV004998636.1).
Genomic context (GRCh38, chr7:92,517,785, plus strand): 5'-ATGTCTCTTGTTTCTTCTCAGATTGAAAGGAAAAAATGCTTCCTATCATAGTCCATAAAC[T>C]TGCTACTGATGATGAGTCAACTGGAATCTCTGACTCGTTTTCATTAGATTCAGTGATTCC-3'
Protein context (NP_000457.1, residues 234-254): EIPVDSSSVA[Ser244Gly]LWTMIGSIFS

ClinVar aggregate classification (germline): Uncertain significance (1 of 4 stars; one submission).

Conditions:
PEX1-related disorder. Also called: PEX1-related condition.

Submission:

PreventionGenetics, part of Exact Sciences
Classification: Uncertain significance for PEX1-related condition. Last evaluated: 2024-11-04. Review status: criteria provided, single submitter. Criteria: ACMG Guidelines, 2015. Collection method: clinical testing. Allele origin: germline.
Comment: The PEX1 c.730A>G variant is predicted to result in the amino acid substitution p.Ser244Gly. To our knowledge, this variant has not been reported in the literature or in a large population database (gnomAD), indicating this variant is rare. At this time, the clinical significance of this variant is uncertain due to the absence of conclusive functional and genetic evidence.